The following is an entry in ClinVar:

NM_001199138.2(NLRC4):c.543A>C (p.Arg181=)

Gene: NLRC4 (NLR family CARD domain containing 4; minus strand). Cytogenetic location: 2p22.3.
Variant type: single nucleotide variant.
Coding change: c.543A>C on transcript NM_001199138.2 (MANE Select); coding-DNA position 543, A replaced by C.
Protein change: p.Arg181=; no amino-acid change (arginine 181 retained).
Molecular consequence: synonymous variant. On other transcripts: intron variant (1).
Genome position (GRCh38, 1-based): chr2:32,251,321, T>G on the plus strand (A>C on the coding strand, the complement: NLRC4 is on the minus strand). VCF-style: chr2-32251321-T-G. GRCh37 (hg19) VCF-style: chr2-32476390-T-G.
Other names: p.Arg181=; c.543A>C, p.Arg181= (NM_001199139.2, NM_021209.5); c.262+1098A>C (NM_001302504.1).
Identifiers: ClinVar variation 403237 (VCV000403237.23), dbSNP rs408813, ClinGen allele CA1602123.

ClinVar aggregate classification (germline): Benign/Likely benign. Review status: criteria provided, multiple submitters, no conflicts (2 of 4 stars). 11 submissions from 10 submitters: Benign (8); Likely benign (1). 2 of the submissions do not count toward it. Last evaluated 2026-02-04.

Conditions:
Familial cold autoinflammatory syndrome 4 (FCAS4). Identifiers: Orphanet 47045, Orphanet 576349, MedGen C4015276, MONDO:0014498, OMIM 616115.
Periodic fever-infantile enterocolitis-autoinflammatory syndrome. Also called: Autoinflammation with infantile enterocolitis. Identifiers: Orphanet 436166, MedGen C4015067, MONDO:0014472, OMIM 616050.

Allele frequency attached by ClinVar (database versions not stated): gnomAD 0.58055 and 0.58740; TOPMed 0.57701; ESP Exome Variant Server 0.58765; 1000 Genomes Project 0.51558; 1000 Genomes Project 30x 0.51936; gnomAD exomes 0.58947.

Submissions (11):

Labcorp Genetics (formerly Invitae), Labcorp
Classification: Benign for Periodic fever-infantile enterocolitis-autoinflammatory syndrome; Familial cold autoinflammatory syndrome 4. Last evaluated: 2026-02-04. Review status: criteria provided, single submitter. Criteria: Invitae Variant Classification Sherloc (09022015). Collection method: clinical testing. Allele origin: germline.

Women's Health and Genetics/Laboratory Corporation of America, LabCorp
Classification: Benign. Last evaluated: 2026-01-21. Review status: criteria provided, single submitter. Criteria: LabCorp Variant Classification Summary - May 2015. Collection method: clinical testing. Allele origin: germline.

Blueprint Genetics
Classification: Likely benign. Last evaluated: 2024-11-26. Review status: criteria provided, single submitter. Criteria: ACMG Guidelines, 2015. Collection method: clinical testing. Allele origin: germline.

Unidad de Genómica Garrahan, Hospital de Pediatría Garrahan
Classification: Benign. Last evaluated: 2023-11-12. Review status: criteria provided, single submitter. Criteria: ACMG Guidelines, 2015. Collection method: clinical testing. Allele origin: germline. Affected: no. Observed: 78 variant alleles.
Comment: This variant is classified as Benign based on local population frequency. This variant was detected in 81% of patients studied by a panel of primary immunodeficiencies. Number of patients: 78. Only high quality variants are reported.

Genome-Nilou Lab
Classification: Benign for Familial cold autoinflammatory syndrome 4. Last evaluated: 2021-09-05. Review status: criteria provided, single submitter. Criteria: ACMG Guidelines, 2015. Collection method: clinical testing. Allele origin: germline. Affected: no.

Genome-Nilou Lab
Classification: Benign for Periodic fever-infantile enterocolitis-autoinflammatory syndrome. Last evaluated: 2021-09-05. Review status: criteria provided, single submitter. Criteria: ACMG Guidelines, 2015. Collection method: clinical testing. Allele origin: germline. Affected: no.

Mayo Clinic Laboratories, Mayo Clinic
Classification: Benign. Last evaluated: 2019-02-26. Review status: criteria provided, single submitter. Criteria: ACMG Guidelines, 2015. Collection method: clinical testing. Allele origin: germline. Observed: 821 variant alleles.

Laboratory for Molecular Medicine, Mass General Brigham Personalized Medicine
Classification: Benign. Last evaluated: 2016-03-29. Review status: criteria provided, single submitter. Criteria: LMM Criteria. Collection method: clinical testing. Allele origin: germline.
Comment: Variant identified in a genome or exome case(s) and assessed due to predicted null impact of the variant or pathogenic assertions in the literature or databases. Disclaimer: This variant has not undergone full assessment. The following are preliminary notes: Frequency

Breakthrough Genomics
Classification: Benign. Review status: criteria provided, single submitter. Criteria: ACMG Guidelines, 2015. Collection method: not provided. Allele origin: germline. Inheritance: Autosomal dominant inheritance. Affected: yes.

Genome Diagnostics Laboratory, University Medical Center Utrecht
Classification: Benign. Review status: no assertion criteria provided. Collection method: clinical testing. Allele origin: germline. Affected: yes. Study: VKGL Data-share Consensus. Not counted in ClinVar's aggregate classification.

Joint Genome Diagnostic Labs from Nijmegen and Maastricht, Radboudumc and MUMC+
Classification: Benign. Review status: no assertion criteria provided. Collection method: clinical testing. Allele origin: germline. Affected: yes. Study: VKGL Data-share Consensus. Not counted in ClinVar's aggregate classification.